The following is an entry in ClinVar:

ClinVar aggregate classification (germline): Pathogenic/Likely pathogenic. Review status: criteria provided, multiple submitters, no conflicts (2 of 4 stars). 6 submissions from 6 submitters: Pathogenic (3); Likely pathogenic (1). 2 of the submissions do not count toward it. Last evaluated 2025-05-23.

Conditions:
METHYLMALONIC ACIDURIA, mut(0) TYPE. Identifiers: MedGen C1855115, OMIM 251000.
Methylmalonic aciduria due to complete methylmalonyl-CoA mutase deficiency.
Methylmalonic aciduria due to methylmalonyl-CoA mutase deficiency (MAMM). Also called: Methylmalonic aciduria, mut type. Identifiers: Orphanet 27, MedGen C1855114, MONDO:0009612, OMIM 251000.
Methylmalonic acidemia (MMA). Also called: Isolated Methylmalonic Acidemia. Identifiers: MedGen C0268583, MeSH C537358, MONDO:0002012, HP:0002912.

gnomAD v4.1: 2 of 1,613,538 alleles (0.00012%); highest among the groups gnomAD compares: Non-Finnish European, 0.00017%; no homozygotes.

Submissions (6):

Women's Health and Genetics/Laboratory Corporation of America, LabCorp
Classification: Pathogenic for Methylmalonic acidemia. Last evaluated: 2025-05-23. Review status: criteria provided, single submitter. Criteria: LabCorp Variant Classification Summary - May 2015. Collection method: clinical testing. Allele origin: germline.
Comment: Variant summary: MMUT c.643G>A (p.Gly215Ser) results in a non-conservative amino acid change in the encoded protein sequence. Algorithms developed to predict the effect of missense changes on protein structure and function all suggest that this variant is likely to be disruptive. The variant was absent in 251190 control chromosomes. c.643G>A has been observed in multiple homozygous or compound heterozygous individuals affected with Methylmalonic Acidemia (e.g. Nizon_2013, Worgan_2006). These data indicate that the variant is very likely to be associated with disease. A different variant located at the same codon (c.643G>T, p.Gly215Cys) has been classified as pathogenic/likely pathogenic in ClinVar, supporting a critical relevance of this residue to MMUT protein function. The following publications have been ascertained in the context of this evaluation (PMID: 24059531, 16281286). ClinVar contains an entry for this variant (Variation ID: 1888). Based on the evidence outlined above, the variant was classified as pathogenic.

Natera, Inc.
Classification: Pathogenic for Methylmalonic aciduria due to complete methylmalonyl-CoA mutase deficiency. Last evaluated: 2025-04-21. Review status: criteria provided, single submitter. Criteria: Natera Variant Classification Schema (03/2026). Collection method: clinical testing. Allele origin: germline.
Comment: The c.643G>A variant in MMUT is a missense variant predicted to cause substitution of glycine to serine at amino acid 215. This variant is rare in the general population with a frequency below the threshold expected for the associated phenotype(s). This variant has been observed in one or more individuals affected with the associated recessive disease, as either homozygous or compound heterozygous with a second variant (PMID: 26615597, 16281286, 27167370, 16435223). Computational prediction algorithms indicate this variant is likely to affect gene or protein function. Given the available evidence, this variant is classified as Pathogenic.

Labcorp Genetics (formerly Invitae), Labcorp
Classification: Pathogenic. Last evaluated: 2023-04-12. Review status: criteria provided, single submitter. Criteria: Invitae Variant Classification Sherloc (09022015). Collection method: clinical testing. Allele origin: germline.
Comment: This missense change has been observed in individual(s) with methylmalonic acidemia (PMID: 15643616, 16281286, 16451139, 24059531, 26615597). It has also been observed to segregate with disease in related individuals. For these reasons, this variant has been classified as Pathogenic. This variant disrupts the p.Gly215 amino acid residue in MUT. Other variant(s) that disrupt this residue have been determined to be pathogenic (PMID: 16281286, 26790480). This suggests that this residue is clinically significant, and that variants that disrupt this residue are likely to be disease-causing. Advanced modeling of protein sequence and biophysical properties (such as structural, functional, and spatial information, amino acid conservation, physicochemical variation, residue mobility, and thermodynamic stability) performed at Invitae indicates that this missense variant is expected to disrupt MUT protein function. ClinVar contains an entry for this variant (Variation ID: 1888). This variant is not present in population databases (gnomAD no frequency). This sequence change replaces glycine, which is neutral and non-polar, with serine, which is neutral and polar, at codon 215 of the MUT protein (p.Gly215Ser).

Department of Pathology and Laboratory Medicine, Sinai Health System
Classification: Likely pathogenic for Methylmalonic aciduria due to methylmalonyl-CoA mutase deficiency. Last evaluated: 2022-06-21. Review status: criteria provided, single submitter. Criteria: ACMG Guidelines, 2015. Collection method: research. Allele origin: germline.

OMIM
Classification: Pathogenic for METHYLMALONIC ACIDURIA, mut(0) TYPE. Last evaluated: 2006-01-01. Review status: no assertion criteria provided. Collection method: literature only. Allele origin: germline. Not counted in ClinVar's aggregate classification.

GeneReviews
No classification provided. Condition: Methylmalonic aciduria due to methylmalonyl-CoA mutase deficiency. Review status: no classification provided. Collection method: literature only. Allele origin: germline. Affected: yes. Not counted in ClinVar's aggregate classification.
Comment: mut0 enzymatic subtype

Literature cited by the submitters: PubMed 16281286 (cited by 3 submitters); PubMed 24059531 (cited by Women's Health and Genetics/Laboratory Corporation of America, LabCorp and Labcorp Genetics (formerly Invitae), Labcorp); PubMed 26615597 (cited by Natera, Inc. and Labcorp Genetics (formerly Invitae), Labcorp); PubMed 27167370 (cited by Natera, Inc.); PubMed 16435223 (cited by Natera, Inc.); PubMed 15643616 (cited by Labcorp Genetics (formerly Invitae), Labcorp); PubMed 16451139 (cited by Labcorp Genetics (formerly Invitae), Labcorp and OMIM); PubMed 26790480 (cited by Labcorp Genetics (formerly Invitae), Labcorp); NCBI Bookshelf NBK1231 (cited by GeneReviews).

NM_000255.4(MMUT):c.643G>A (p.Gly215Ser)

Gene: MMUT (methylmalonyl-CoA mutase; minus strand). Cytogenetic location: 6p12.3.
Variant type: single nucleotide variant.
Coding change: c.643G>A on transcript NM_000255.4 (MANE Select); coding-DNA position 643, G replaced by A.
Protein change: p.Gly215Ser; replaces glycine 215 with serine.
Molecular consequence: missense variant.
Genome position (GRCh38, 1-based): chr6:49,457,801, C>T on the plus strand (G>A on the coding strand, the complement: MMUT is on the minus strand). VCF-style: chr6-49457801-C-T. GRCh37 (hg19) VCF-style: chr6-49425514-C-T.
Other names: c.643G>A (NM_000255.3); short protein forms G215S.
Identifiers: ClinVar variation 1888 (VCV000001888.14), dbSNP rs121918258, ClinGen allele CA249733.